The following is an entry in ClinVar:

NM_005050.4(ABCD4):c.756G>A (p.Arg252=)

Gene: ABCD4 (ATP binding cassette subfamily D member 4; minus strand). Cytogenetic location: 14q24.3.
Variant type: single nucleotide variant.
Coding change: c.756G>A on transcript NM_005050.4 (MANE Select); coding-DNA position 756, G replaced by A.
Protein change: p.Arg252=; no amino-acid change (arginine 252 retained).
Molecular consequence: synonymous variant. On other transcripts: non-coding transcript variant (6), intron variant (9).
Genome position (GRCh38, 1-based): chr14:74,293,212, C>T on the plus strand (G>A on the coding strand, the complement: ABCD4 is on the minus strand). VCF-style: chr14-74293212-C-T. GRCh37 (hg19) VCF-style: chr14-74759915-C-T.
Other names: c.630G>A, p.Arg210= (NM_001353591.2, NM_001353592.2); c.495G>A, p.Arg165= (NM_001353593.2); c.444G>A, p.Arg148= (NM_001353594.2); c.342G>A, p.Arg114= (NM_001353595.2, NM_001353596.2); c.291G>A, p.Arg97= (NM_001353597.2); c.279G>A, p.Arg93= (NM_001353598.2, NM_001353599.2, NM_001353600.2 and 2 more transcripts); c.756G>A, p.Arg252= (NM_020325.3); c.26-343G>A (NM_001353607.2, NM_001353604.2, NM_001353603.2 and 6 more transcripts).
Identifiers: ClinVar variation 387746 (VCV000387746.8), dbSNP rs149632647, ClinGen allele CA7267067.

ClinVar aggregate classification (germline): Benign/Likely benign. Review status: criteria provided, multiple submitters, no conflicts (2 of 4 stars). 2 submissions from 2 submitters: Benign (1); Likely benign (1). Last evaluated 2026-01-28.

Conditions:
Methylmalonic acidemia with homocystinuria, type cblJ (MAHCJ). Also called: METHYLMALONIC ACIDURIA AND HOMOCYSTINURIA, cblJ TYPE. Identifiers: Orphanet 369955, MedGen C3553915, MONDO:0013925, OMIM 614857.

Allele frequency attached by ClinVar (database versions not stated): gnomAD exomes 0.00009 and 0.00031; gnomAD 0.00010; ExAC 0.00027; TOPMed 0.00036; 1000 Genomes Project 30x 0.00062; 1000 Genomes Project 0.00080.
gnomAD v4.1: 147 of 1,614,154 alleles (0.0091%); highest among the groups gnomAD compares: East Asian, 0.3%; 1 homozygote.

Submissions (2):

Labcorp Genetics (formerly Invitae), Labcorp
Classification: Benign for Methylmalonic acidemia with homocystinuria, type cblJ. Last evaluated: 2026-01-28. Review status: criteria provided, single submitter. Criteria: Invitae Variant Classification Sherloc (09022015). Collection method: clinical testing. Allele origin: germline.

GeneDx
Classification: Likely benign. Last evaluated: 2016-07-29. Review status: criteria provided, single submitter. Criteria: GeneDx Variant Classification (06012015). Collection method: clinical testing. Allele origin: germline. Affected: yes.
Comment: This variant is considered likely benign or benign based on one or more of the following criteria: it is a conservative change, it occurs at a poorly conserved position in the protein, it is predicted to be benign by multiple in silico algorithms, and/or has population frequency not consistent with disease.